The following is an entry in ClinVar:

ClinVar aggregate classification (germline): Likely pathogenic (1 of 4 stars; one submission).

Conditions:
Joubert syndrome. Also called: JOUBERT-BOLTSHAUSER SYNDROME; Familial aplasia of the vermis. Identifiers: Orphanet 475, MedGen C5979921, MONDO:0018772.
Meckel-Gruber syndrome. Also called: DYSENCEPHALIA SPLANCHNOCYSTICA; GRUBER SYNDROME; Dysencephalia splachnocystica. Identifiers: Orphanet 564, MedGen C0265215, MONDO:0018921.

Submission:

Labcorp Genetics (formerly Invitae), Labcorp
Classification: Likely pathogenic for Joubert syndrome; Meckel-Gruber syndrome. Last evaluated: 2025-03-17. Review status: criteria provided, single submitter. Criteria: Invitae Variant Classification Sherloc (09022015). Collection method: clinical testing. Allele origin: germline.
Comment: This sequence change affects a donor splice site in intron 6 of the CC2D2A gene. It is expected to disrupt RNA splicing. Variants that disrupt the donor or acceptor splice site typically lead to a loss of protein function (PMID: 16199547), and loss-of-function variants in CC2D2A are known to be pathogenic (PMID: 19777577). This variant is not present in population databases (gnomAD no frequency). This variant has not been reported in the literature in individuals affected with CC2D2A-related conditions. Algorithms developed to predict the effect of sequence changes on RNA splicing suggest that this variant may disrupt the consensus splice site. In summary, the currently available evidence indicates that the variant is pathogenic, but additional data are needed to prove that conclusively. Therefore, this variant has been classified as Likely Pathogenic.

Literature cited by the submitters: PubMed 16199547; PubMed 19777577.

NM_001378615.1(CC2D2A):c.336+1G>C

Genes: CC2D2A (coiled-coil and C2 domain containing 2A; plus strand), FBXL5 (F-box and leucine rich repeat protein 5; minus strand). Cytogenetic location: 4p15.32.
Variant type: single nucleotide variant.
Coding change: c.336+1G>C on transcript NM_001378615.1 (MANE Select); the canonical splice donor site of the intron after coding-DNA position 336, G replaced by C.
Molecular consequence: splice donor variant.
Genome position (GRCh38, 1-based): chr4:15,502,518, G>C. VCF-style: chr4-15502518-G-C. GRCh37 (hg19) VCF-style: chr4-15504141-G-C.
Other names: c.336+1G>C (NM_001080522.2); c.189+1G>C (NM_001378617.1).
Identifiers: ClinVar variation 3756799 (VCV003756799.2).